The following is an entry in ClinVar:

NM_001128178.3(NPHP1):c.1994C>T (p.Thr665Ile)

Gene: NPHP1 (nephrocystin 1; minus strand). Cytogenetic location: 2q13.
Variant type: single nucleotide variant.
Coding change: c.1994C>T on transcript NM_001128178.3 (MANE Select); coding-DNA position 1994, C replaced by T.
Protein change: p.Thr665Ile; replaces threonine 665 with isoleucine.
Molecular consequence: missense variant. On other transcripts: 3 prime UTR variant (1).
Genome position (GRCh38, 1-based): chr2:110,123,831, G>A on the plus strand (C>T on the coding strand, the complement: NPHP1 is on the minus strand). VCF-style: chr2-110123831-G-A. GRCh37 (hg19) VCF-style: chr2-110881408-G-A.
Other names: c.2162C>T, p.Thr721Ile (NM_000272.5); c.1805C>T, p.Thr602Ile (NM_001128179.3); c.1991C>T, p.Thr664Ile (NM_001374256.1); c.*236C>T (NM_001374257.1); c.2159C>T, p.Thr720Ile (NM_207181.4); short protein forms T602I, T664I, T665I, T720I, T721I.
Identifiers: ClinVar variation 2420503 (VCV002420503.5), dbSNP rs1679147532, ClinGen allele CA348085880.

ClinVar aggregate classification (germline): Uncertain significance (1 of 4 stars; one submission).

Conditions:
Nephronophthisis. Also called: Juvenile Nephronophthisis. Identifiers: Orphanet 655, MedGen C0687120, MONDO:0019005, HP:0000090.

Allele frequency attached by ClinVar (database versions not stated): TOPMed below 0.00001.

Submission:

Labcorp Genetics (formerly Invitae), Labcorp
Classification: Uncertain significance for Nephronophthisis. Last evaluated: 2022-07-20. Review status: criteria provided, single submitter. Criteria: Invitae Variant Classification Sherloc (09022015). Collection method: clinical testing. Allele origin: germline.
Comment: This sequence change replaces threonine, which is neutral and polar, with isoleucine, which is neutral and non-polar, at codon 721 of the NPHP1 protein (p.Thr721Ile). This variant is not present in population databases (gnomAD no frequency). This variant has not been reported in the literature in individuals affected with NPHP1-related conditions. Algorithms developed to predict the effect of missense changes on protein structure and function are either unavailable or do not agree on the potential impact of this missense change (SIFT: "Deleterious"; PolyPhen-2: "Possibly Damaging"; Align-GVGD: "Class C0"). In summary, the available evidence is currently insufficient to determine the role of this variant in disease. Therefore, it has been classified as a Variant of Uncertain Significance.